The following is an entry in ClinVar:

NM_014915.3(ANKRD26):c.662A>G (p.Tyr221Cys)

Gene: ANKRD26 (ankyrin repeat domain containing 26; minus strand). Cytogenetic location: 10p12.1.
Variant type: single nucleotide variant.
Coding change: c.662A>G on transcript NM_014915.3 (MANE Select); coding-DNA position 662, A replaced by G.
Protein change: p.Tyr221Cys; replaces tyrosine 221 with cysteine.
Molecular consequence: missense variant.
Genome position (GRCh38, 1-based): chr10:27,086,586, T>C on the plus strand (A>G on the coding strand, the complement: ANKRD26 is on the minus strand). VCF-style: chr10-27086586-T-C. GRCh37 (hg19) VCF-style: chr10-27375515-T-C.
Other names: c.662A>G, p.Tyr221Cys (NM_001256053.2); short protein forms Y221C.
Identifiers: ClinVar variation 3914935 (VCV003914935.1).
Genomic context (GRCh38, chr10:27,086,586, plus strand): 5'-TTGGAAGTCTTACCTGAATTACTATTTTGAGAAGAATGTTTAGGTATCCTTTCTTCTTTA[T>C]ATTCTGAAATTAGTTGGTGACTGCTATGTATAGAAAAATGTAACAAAATTATGTTAATAC-3'
Protein context (NP_055730.2, residues 211-231): LESSHQLISE[Tyr221Cys]KEERIPKHSS

ClinVar aggregate classification (germline): Uncertain significance (1 of 4 stars; one submission).

Conditions:
Inborn genetic diseases. Identifiers: MedGen C0950123, MeSH D030342.

Submission:

Ambry Genetics
Classification: Uncertain significance for Inborn genetic diseases. Last evaluated: 2025-05-31. Review status: criteria provided, single submitter. Criteria: Ambry Variant Classification Scheme 2023. Collection method: clinical testing. Allele origin: germline.
Comment: The p.Y221C variant (also known as c.662A>G), located in coding exon 5 of the ANKRD26 gene, results from an A to G substitution at nucleotide position 662. The tyrosine at codon 221 is replaced by cysteine, an amino acid with highly dissimilar properties. This amino acid position is conserved. In addition, this alteration is predicted to be tolerated by in silico analysis. Based on the available evidence, the clinical significance of this variant remains unclear.